The following is an entry in ClinVar:

NM_001903.5(CTNNA1):c.1186G>A (p.Glu396Lys)

Gene: CTNNA1 (catenin alpha 1; plus strand). Cytogenetic location: 5q31.2.
Variant type: single nucleotide variant.
Coding change: c.1186G>A on transcript NM_001903.5 (MANE Select); coding-DNA position 1186, G replaced by A.
Protein change: p.Glu396Lys; replaces glutamic acid 396 with lysine.
Molecular consequence: missense variant. On other transcripts: 5 prime UTR variant (5), intron variant (2).
Genome position (GRCh38, 1-based): chr5:138,887,532, G>A. VCF-style: chr5-138887532-G-A. GRCh37 (hg19) VCF-style: chr5-138223221-G-A.
Other names: c.1186G>A, p.Glu396Lys (NM_001290307.3, NM_001323982.2, NM_001323983.1 and 3 more transcripts); c.877G>A, p.Glu293Lys (NM_001290309.3); c.817G>A, p.Glu273Lys (NM_001290310.3); c.76G>A, p.Glu26Lys (NM_001290312.1, NM_001323987.1, NM_001323988.1 and 18 more transcripts); c.-322G>A (NM_001324006.1, NM_001324007.1, NM_001324008.1 and 1 more transcripts); c.-197G>A (NM_001324013.1); c.-58+11935G>A (NM_001324012.1); c.-61+11935G>A (NM_001324010.1); short protein forms E26K, E273K, E293K, E396K.
Identifiers: ClinVar variation 1721518 (VCV001721518.5), dbSNP rs772037860, ClinGen allele CA3431879.

ClinVar aggregate classification (germline): Uncertain significance (1 of 4 stars; one submission).

Allele frequency attached by ClinVar (database versions not stated): gnomAD exomes below 0.00001; ExAC 0.00001.
gnomAD v4.1: 1 of 1,610,134 alleles (0.000062%); no homozygotes.

Submission:

Labcorp Genetics (formerly Invitae), Labcorp
Classification: Uncertain significance. Last evaluated: 2022-07-21. Review status: criteria provided, single submitter. Criteria: Invitae Variant Classification Sherloc (09022015). Collection method: clinical testing. Allele origin: germline.
Comment: This variant is present in population databases (rs772037860, gnomAD 0.004%). This sequence change replaces glutamic acid, which is acidic and polar, with lysine, which is basic and polar, at codon 396 of the CTNNA1 protein (p.Glu396Lys). This variant has not been reported in the literature in individuals affected with CTNNA1-related conditions. In summary, the available evidence is currently insufficient to determine the role of this variant in disease. Therefore, it has been classified as a Variant of Uncertain Significance. Algorithms developed to predict the effect of missense changes on protein structure and function are either unavailable or do not agree on the potential impact of this missense change (SIFT: "Deleterious"; PolyPhen-2: "Possibly Damaging"; Align-GVGD: "Class C0").